The following is an entry in ClinVar:

ClinVar aggregate classification (germline): Conflicting classifications of pathogenicity. Review status: criteria provided, conflicting classifications (1 of 4 stars). 2 submissions from 2 submitters: Likely pathogenic (1); Uncertain significance (1). Last evaluated 2026-06-22.

Conditions:
Cardiovascular phenotype. Identifiers: MedGen CN230736.

gnomAD v4.1: 1 of 1,602,540 alleles (0.000062%); highest among the groups gnomAD compares: South Asian, 0.0011%; no homozygotes.

Submissions (2):

Ambry Genetics
Classification: Uncertain significance for Cardiovascular phenotype. Last evaluated: 2026-06-22. Review status: criteria provided, single submitter. Criteria: Ambry Variant Classification Scheme 2023. Collection method: clinical testing. Allele origin: germline.
Comment: The p.Y4340* variant (also known as c.13020T>G), located in coding exon 29 of the APOB gene, results from a T to G substitution at nucleotide position 13020. This changes the amino acid from a tyrosine to a stop codon within coding exon 29. This variant occurs at the 3' terminus of the gene, is not expected to trigger nonsense-mediated mRNAdecay, and impacts the last 4.9% of the protein. The exact functional effect of this variant is unknown. Based on the available evidence, the clinical significance of this variant remains unclear.

Quest Diagnostics Nichols Institute San Juan Capistrano
Classification: Likely pathogenic. Last evaluated: 2021-01-27. Review status: criteria provided, single submitter. Criteria: Quest Diagnostics criteria. Collection method: clinical testing. Allele origin: unknown.
Comment: This nonsense variant is predicted to cause the premature termination of APOB protein synthesis. To the best of our knowledge, the variant has not been reported in online databases or the published literature. This variant has not been reported in large, multi-ethnic general populations. Based on the available information, the variant is predicted to be likely pathogenic.

NM_000384.3(APOB):c.13020T>G (p.Tyr4340Ter)

Gene: APOB (apolipoprotein B; minus strand). Cytogenetic location: 2p24.1.
Variant type: single nucleotide variant.
Coding change: c.13020T>G on transcript NM_000384.3 (MANE Select); coding-DNA position 13020, T replaced by G.
Protein change: p.Tyr4340Ter; replaces tyrosine 4340 with a stop codon.
Molecular consequence: nonsense.
Genome position (GRCh38, 1-based): chr2:21,002,402, A>C on the plus strand (T>G on the coding strand, the complement: APOB is on the minus strand). VCF-style: chr2-21002402-A-C. GRCh37 (hg19) VCF-style: chr2-21225274-A-C.
Other names: short protein forms Y4340*.
Identifiers: ClinVar variation 1330071 (VCV001330071.2), dbSNP rs141339310, ClinGen allele CA345969789.
Genomic context (GRCh38, chr2:21,002,402, plus strand): 5'-ATTGAACTTATGAAGATTAAGGCATAGGTTTTCTTTCAACAATTTAAAAACATATGGGAT[A>C]TAATCACTGAAGATTGTGTTGATCTCATCTTGGATATAATTAATAAGATAAGTAAATTTC-3'